The following is an entry in ClinVar:

NM_022552.5(DNMT3A):c.767C>G (p.Pro256Arg)

Gene: DNMT3A (DNA methyltransferase 3 alpha; minus strand). Cytogenetic location: 2p23.3.
Variant type: single nucleotide variant.
Coding change: c.767C>G on transcript NM_022552.5 (MANE Select); coding-DNA position 767, C replaced by G.
Protein change: p.Pro256Arg; replaces proline 256 with arginine.
Molecular consequence: missense variant. On other transcripts: non-coding transcript variant (1).
Genome position (GRCh38, 1-based): chr2:25,248,125, G>C on the plus strand (C>G on the coding strand, the complement: DNMT3A is on the minus strand). VCF-style: chr2-25248125-G-C. GRCh37 (hg19) VCF-style: chr2-25470994-G-C.
Other names: c.311C>G, p.Pro104Arg (NM_001320893.1); c.98C>G, p.Pro33Arg (NM_001375819.1); c.200C>G, p.Pro67Arg (NM_153759.3); c.767C>G, p.Pro256Arg (NM_175629.2); short protein forms P33R, P104R, P256R, P67R.
Identifiers: ClinVar variation 3841733 (VCV003841733.1).

ClinVar aggregate classification (germline): Uncertain significance (1 of 4 stars; one submission).

Conditions:
Inborn genetic diseases. Identifiers: MedGen C0950123, MeSH D030342.

Submission:

Ambry Genetics
Classification: Uncertain significance for Inborn genetic diseases. Last evaluated: 2024-12-15. Review status: criteria provided, single submitter. Criteria: Ambry Variant Classification Scheme 2023. Collection method: clinical testing. Allele origin: germline.
Comment: The p.P256R variant (also known as c.767C>G), located in coding exon 6 of the DNMT3A gene, results from a C to G substitution at nucleotide position 767. The proline at codon 256 is replaced by arginine, an amino acid with dissimilar properties. This amino acid position is conserved. In addition, this alteration is predicted to be deleterious by in silico analysis. Based on the available evidence, the clinical significance of this variant remains unclear.